The following is an entry in ClinVar:

ClinVar aggregate classification (germline): Uncertain significance (1 of 4 stars; one submission).

gnomAD v4.1: 4 of 1,613,322 alleles (0.00025%); highest among the groups gnomAD compares: Middle Eastern, 0.016%; no homozygotes.

Submission:

Labcorp Genetics (formerly Invitae), Labcorp
Classification: Uncertain significance. Last evaluated: 2025-10-06. Review status: criteria provided, single submitter. Criteria: Invitae Variant Classification Sherloc (09022015). Collection method: clinical testing. Allele origin: germline.
Comment: This sequence change replaces alanine, which is neutral and non-polar, with aspartic acid, which is acidic and polar, at codon 2151 of the DCHS1 protein (p.Ala2151Asp). This variant is not present in population databases (gnomAD no frequency). This variant has not been reported in the literature in individuals affected with DCHS1-related conditions. Invitae Evidence Modeling of protein sequence and biophysical properties (such as structural, functional, and spatial information, amino acid conservation, physicochemical variation, residue mobility, and thermodynamic stability) indicates that this missense variant is not expected to disrupt DCHS1 protein function with a negative predictive value of 80%. In summary, the available evidence is currently insufficient to determine the role of this variant in disease. Therefore, it has been classified as a Variant of Uncertain Significance.

NM_003737.4(DCHS1):c.6452C>A (p.Ala2151Asp)

Gene: DCHS1 (dachsous cadherin-related 1; minus strand). Cytogenetic location: 11p15.4.
Variant type: single nucleotide variant.
Coding change: c.6452C>A on transcript NM_003737.4 (MANE Select); coding-DNA position 6452, C replaced by A.
Protein change: p.Ala2151Asp; replaces alanine 2151 with aspartic acid.
Molecular consequence: missense variant.
Genome position (GRCh38, 1-based): chr11:6,626,293, G>T on the plus strand (C>A on the coding strand, the complement: DCHS1 is on the minus strand). VCF-style: chr11-6626293-G-T. GRCh37 (hg19) VCF-style: chr11-6647524-G-T.
Other names: short protein forms A2151D.
Identifiers: ClinVar variation 4775662 (VCV004775662.1).